The following is an entry in ClinVar:

NM_138386.3(NAF1):c.329C>G (p.Ser110Cys)

Gene: NAF1 (nuclear assembly factor 1 ribonucleoprotein; minus strand). Cytogenetic location: 4q32.2.
Variant type: single nucleotide variant.
Coding change: c.329C>G on transcript NM_138386.3 (MANE Select); coding-DNA position 329, C replaced by G.
Protein change: p.Ser110Cys; replaces serine 110 with cysteine.
Molecular consequence: missense variant.
Genome position (GRCh38, 1-based): chr4:163,166,399, G>C on the plus strand (C>G on the coding strand, the complement: NAF1 is on the minus strand). VCF-style: chr4-163166399-G-C. GRCh37 (hg19) VCF-style: chr4-164087551-G-C.
Other names: c.329C>G, p.Ser110Cys (NM_001128931.2); short protein forms S110C.
Identifiers: ClinVar variation 3298376 (VCV003298376.3).
Genomic context (GRCh38, chr4:163,166,399, plus strand): 5'-CTCCGGGTCCCTTAGGCACCCGACCTGTCCGAGTCCGAATCCGAGTCCGAGGTCTCCAAG[G>C]AGTCCGGCGCCCGCGCAGGCTCTGCGGCTCCTGGGGAGGTGACGCAGTCTCCGCAGGCCG-3'
Protein context (NP_612395.2, residues 100-120): GAAEPARAPD[Ser110Cys]LETSDSDSDS

ClinVar aggregate classification (germline): Uncertain significance. Review status: criteria provided, multiple submitters, no conflicts (2 of 4 stars). 2 submissions from 2 submitters: Uncertain significance (2). Last evaluated 2026-01-20.

gnomAD v4.1: 32 of 1,607,296 alleles (0.002%); highest among the groups gnomAD compares: Non-Finnish European, 0.0023%; no homozygotes.

Submissions (2):

Labcorp Genetics (formerly Invitae), Labcorp
Classification: Uncertain significance. Last evaluated: 2026-01-20. Review status: criteria provided, single submitter. Criteria: Invitae Variant Classification Sherloc (09022015). Collection method: clinical testing. Allele origin: germline.
Comment: This sequence change replaces serine, which is neutral and polar, with cysteine, which is neutral and slightly polar, at codon 110 of the NAF1 protein (p.Ser110Cys). This variant is present in population databases (rs143292819, gnomAD 0.01%). This variant has not been reported in the literature in individuals affected with NAF1-related conditions. ClinVar contains an entry for this variant (Variation ID: 3298376). An algorithm developed to predict the effect of missense changes on protein structure and function (PolyPhen-2) suggests that this variant is likely to be tolerated. In summary, the available evidence is currently insufficient to determine the role of this variant in disease. Therefore, it has been classified as a Variant of Uncertain Significance.

Ambry Genetics
Classification: Uncertain significance. Last evaluated: 2024-06-17. Review status: criteria provided, single submitter. Criteria: Ambry Variant Classification Scheme 2023. Collection method: clinical testing. Allele origin: germline.